The following is an entry in ClinVar:

NM_001267550.2(TTN):c.53299C>A (p.Pro17767Thr)

Genes: TTN (titin; minus strand), TTN-AS1 (TTN antisense RNA 1; plus strand), LOC126806425 (BRD4-independent group 4 enhancer GRCh37_chr2:179471933-179473132; plus strand). Cytogenetic location: 2q31.2.
Variant type: single nucleotide variant.
Coding change: c.53299C>A on transcript NM_001267550.2 (MANE Select); coding-DNA position 53299, C replaced by A.
Protein change: p.Pro17767Thr; replaces proline 17767 with threonine.
Molecular consequence: missense variant.
Genome position (GRCh38, 1-based): chr2:178,607,303, G>T on the plus strand (C>A on the coding strand, the complement: TTN is on the minus strand). VCF-style: chr2-178607303-G-T. GRCh37 (hg19) VCF-style: chr2-179472030-G-T.
Other names: c.48376C>A, p.Pro16126Thr (NM_001256850.1); c.26104C>A, p.Pro8702Thr (NM_003319.4); c.45595C>A, p.Pro15199Thr (NM_133378.4); c.26479C>A, p.Pro8827Thr (NM_133432.3); c.26680C>A, p.Pro8894Thr (NM_133437.4); short protein forms P15199T, P16126T, P17767T, P8702T, P8827T, P8894T.
Identifiers: ClinVar variation 4822320 (VCV004822320.4).

ClinVar aggregate classification (germline): Uncertain significance (1 of 4 stars; one submission).

Submission:

CeGaT Center for Human Genetics Tuebingen
Classification: Uncertain significance. Last evaluated: 2026-03-01. Review status: criteria provided, single submitter. Criteria: CeGaT Center For Human Genetics Tuebingen Variant Classification Criteria Version 2. Collection method: clinical testing. Allele origin: germline. Affected: yes. Observed: 1 variant allele.
Comment: TTN: PM2